The following is an entry in ClinVar:

ClinVar aggregate classification (germline): Uncertain significance (1 of 4 stars; one submission).

Conditions:
Familial thoracic aortic aneurysm and aortic dissection (TAAD). Also called: Thoracic aortic aneurysms and dissections. Identifiers: Orphanet 91387, MedGen C4707243, MONDO:0019625.

Submission:

Ambry Genetics
Classification: Uncertain significance for Familial thoracic aortic aneurysm and aortic dissection. Last evaluated: 2025-08-19. Review status: criteria provided, single submitter. Criteria: Ambry Variant Classification Scheme 2023. Collection method: clinical testing. Allele origin: germline.
Comment: The p.E961K variant (also known as c.2881G>A), located in coding exon 22 of the MYH11 gene, results from a G to A substitution at nucleotide position 2881. The glutamic acid at codon 961 is replaced by lysine, an amino acid with similar properties. This amino acid position is conserved. In addition, the in silico prediction for this alteration is inconclusive. Based on the available evidence, the clinical significance of this variant remains unclear.

NM_002474.3(MYH11):c.2881G>A (p.Glu961Lys)

Gene: MYH11 (myosin heavy chain 11; minus strand). Cytogenetic location: 16p13.11.
Variant type: single nucleotide variant.
Coding change: c.2881G>A on transcript NM_002474.3 (MANE Select); coding-DNA position 2881, G replaced by A.
Protein change: p.Glu961Lys; replaces glutamic acid 961 with lysine.
Molecular consequence: missense variant.
Genome position (GRCh38, 1-based): chr16:15,740,167, C>T on the plus strand (G>A on the coding strand, the complement: MYH11 is on the minus strand). VCF-style: chr16-15740167-C-T. GRCh37 (hg19) VCF-style: chr16-15834024-C-T.
Other names: c.2902G>A, p.Glu968Lys (NM_001040113.2, NM_001040114.2); c.2881G>A, p.Glu961Lys (NM_022844.3); short protein forms E961K, E968K.
Identifiers: ClinVar variation 4114592 (VCV004114592.1).